The following is an entry in ClinVar:

NM_000051.4(ATM):c.6073A>G (p.Lys2025Glu)

Genes: ATM (ATM serine/threonine kinase; plus strand), C11orf65 (chromosome 11 open reading frame 65; minus strand). Cytogenetic location: 11q22.3.
Variant type: single nucleotide variant.
Coding change: c.6073A>G on transcript NM_000051.4 (MANE Select); coding-DNA position 6073, A replaced by G.
Protein change: p.Lys2025Glu; replaces lysine 2025 with glutamic acid.
Molecular consequence: missense variant. On other transcripts: intron variant (2).
Genome position (GRCh38, 1-based): chr11:108,315,889, A>G. VCF-style: chr11-108315889-A-G. GRCh37 (hg19) VCF-style: chr11-108186616-A-G.
Other names: c.6073A>G, p.Lys2025Glu (NM_001351834.2); c.641-6818T>C (NM_001330368.2); c.*39-6818T>C (NM_001351110.2); short protein forms K2025E.
Identifiers: ClinVar variation 3720465 (VCV003720465.2).
Genomic context (GRCh38, chr11:108,315,889, plus strand): 5'-CTCTTAGAAATCTACAGAAGTATAGGGGAGCCAGATAGTTTGTATGGCTGTGGTGGAGGG[A>G]AGATGTTACAACCCATTACTAGGTAAATTGCATTTTTCTAAACAACGGTATAGTAATTCT-3'
Protein context (NP_000042.3, residues 2015-2035): PDSLYGCGGG[Lys2025Glu]MLQPITRLRT

ClinVar aggregate classification (germline): Uncertain significance (1 of 4 stars; one submission).

Conditions:
Ataxia-telangiectasia syndrome (AT). Also called: Ataxia-telangiectasia, complementation group D; AT, COMPLEMENTATION GROUP C; ATAXIA-TELANGIECTASIA, COMPLEMENTATION GROUP A; ATAXIA-TELANGIECTASIA, FRESNO VARIANT; Ataxia-telangiectasia; Ataxia-telangiectasia, complementation group E. Identifiers: Orphanet 100, MedGen C0004135, MONDO:0008840, OMIM 208900.

Submission:

Labcorp Genetics (formerly Invitae), Labcorp
Classification: Uncertain significance for Ataxia-telangiectasia syndrome. Last evaluated: 2024-10-24. Review status: criteria provided, single submitter. Criteria: Invitae Variant Classification Sherloc (09022015). Collection method: clinical testing. Allele origin: germline.
Comment: This sequence change replaces lysine, which is basic and polar, with glutamic acid, which is acidic and polar, at codon 2025 of the ATM protein (p.Lys2025Glu). This variant is not present in population databases (gnomAD no frequency). This variant has not been reported in the literature in individuals affected with ATM-related conditions. Invitae Evidence Modeling of protein sequence and biophysical properties (such as structural, functional, and spatial information, amino acid conservation, physicochemical variation, residue mobility, and thermodynamic stability) indicates that this missense variant is not expected to disrupt ATM protein function with a negative predictive value of 95%. In summary, the available evidence is currently insufficient to determine the role of this variant in disease. Therefore, it has been classified as a Variant of Uncertain Significance.